The following is an entry in ClinVar:

ClinVar aggregate classification (germline): Uncertain significance (1 of 4 stars; one submission).

gnomAD v4.1: 133 of 1,606,120 alleles (0.0083%); highest among the groups gnomAD compares: Non-Finnish European, 0.011%; no homozygotes.

Submission:

GeneDx
Classification: Uncertain significance. Last evaluated: 2022-12-13. Review status: criteria provided, single submitter. Criteria: GeneDx Variant Classification Process June 2021. Collection method: clinical testing. Allele origin: germline. Affected: yes.
Comment: In silico analysis supports that this missense variant does not alter protein structure/function; Has not been previously published as pathogenic or benign to our knowledge

NM_001384125.1(BLTP1):c.5126C>A (p.Thr1709Lys)

Gene: BLTP1 (bridge-like lipid transfer protein family member 1; plus strand). Cytogenetic location: 4q27.
Variant type: single nucleotide variant.
Coding change: c.5126C>A on transcript NM_001384125.1 (MANE Select); coding-DNA position 5126, C replaced by A.
Protein change: p.Thr1709Lys; replaces threonine 1709 with lysine.
Molecular consequence: missense variant.
Genome position (GRCh38, 1-based): chr4:122,246,240, C>A. VCF-style: chr4-122246240-C-A. GRCh37 (hg19) VCF-style: chr4-123167395-C-A.
Other names: c.5126C>A, p.Thr1709Lys (NM_015312.4); short protein forms T1709K.
Identifiers: ClinVar variation 2505729 (VCV002505729.1), dbSNP rs186259238, ClinGen allele CA3066536.